The following is an entry in ClinVar:

ClinVar aggregate classification (germline): Likely benign. Review status: criteria provided, multiple submitters, no conflicts (2 of 4 stars). 2 submissions from 2 submitters: Likely benign (2). Last evaluated 2026-01-28.

Allele frequency attached by ClinVar (database versions not stated): gnomAD exomes 0.00001; TOPMed 0.00001.
gnomAD v4.1: 4 of 1,613,646 alleles (0.00025%); highest among the groups gnomAD compares: Non-Finnish European, 0.00034%; no homozygotes.

Submissions (2):

Labcorp Genetics (formerly Invitae), Labcorp
Classification: Likely benign. Last evaluated: 2026-01-28. Review status: criteria provided, single submitter. Criteria: Invitae Variant Classification Sherloc (09022015). Collection method: clinical testing. Allele origin: germline.

CeGaT Center for Human Genetics Tuebingen
Classification: Likely benign. Last evaluated: 2024-01-01. Review status: criteria provided, single submitter. Criteria: CeGaT Center For Human Genetics Tuebingen Variant Classification Criteria Version 2. Collection method: clinical testing. Allele origin: germline. Affected: yes. Observed: 1 variant allele.
Comment: NFIA: PM2:Supporting, BP4, BP7

NM_001134673.4(NFIA):c.102G>A (p.Gln34=)

Gene: NFIA (nuclear factor I A; plus strand). Cytogenetic location: 1p31.3.
Variant type: single nucleotide variant.
Coding change: c.102G>A on transcript NM_001134673.4 (MANE Select); coding-DNA position 102, G replaced by A.
Protein change: p.Gln34=; no amino-acid change (glutamine 34 retained).
Molecular consequence: synonymous variant.
Genome position (GRCh38, 1-based): chr1:61,088,223, G>A. VCF-style: chr1-61088223-G-A. GRCh37 (hg19) VCF-style: chr1-61553895-G-A.
Other names: c.78G>A, p.Gln26= (NM_001145511.2); c.237G>A, p.Gln79= (NM_001145512.2); c.102G>A, p.Gln34= (NM_005595.5).
Identifiers: ClinVar variation 3026014 (VCV003026014.24), dbSNP rs1646254862, ClinGen allele CA418150234.